The following is an entry in ClinVar:

NM_006073.4(TRDN):c.1370A>G (p.Glu457Gly)

Gene: TRDN (triadin; minus strand). Cytogenetic location: 6q22.31.
Variant type: single nucleotide variant.
Coding change: c.1370A>G on transcript NM_006073.4 (MANE Select); coding-DNA position 1370, A replaced by G.
Protein change: p.Glu457Gly; replaces glutamic acid 457 with glycine.
Molecular consequence: missense variant.
Genome position (GRCh38, 1-based): chr6:123,337,669, T>C on the plus strand (A>G on the coding strand, the complement: TRDN is on the minus strand). VCF-style: chr6-123337669-T-C. GRCh37 (hg19) VCF-style: chr6-123658814-T-C.
Other names: short protein forms E457G.
Identifiers: ClinVar variation 570554 (VCV000570554.13), dbSNP rs1275202498, ClinGen allele CA365564971.

ClinVar aggregate classification (germline): Uncertain significance. Review status: criteria provided, multiple submitters, no conflicts (2 of 4 stars). 2 submissions from 2 submitters: Uncertain significance (2). Last evaluated 2024-04-16.

Conditions:
Cardiovascular phenotype. Identifiers: MedGen CN230736.
Catecholaminergic polymorphic ventricular tachycardia 1. Also called: RYR2-Related Catecholaminergic Polymorphic Ventricular Tachycardia; VENTRICULAR TACHYCARDIA, CATECHOLAMINERGIC POLYMORPHIC, 1, WITH OR WITHOUT ATRIAL DYSFUNCTION AND/OR DILATED CARDIOMYOPATHY; VENTRICULAR TACHYCARDIA, STRESS-INDUCED POLYMORPHIC 1. Identifiers: Orphanet 3286, MedGen C1631597, MONDO:0011484, OMIM 604772.

Submissions (2):

Ambry Genetics
Classification: Uncertain significance for Cardiovascular phenotype. Last evaluated: 2024-04-16. Review status: criteria provided, single submitter. Criteria: Ambry Variant Classification Scheme 2023. Collection method: clinical testing. Allele origin: germline.
Comment: The p.E457G variant (also known as c.1370A>G) is located in coding exon 22 of the TRDN gene. The glutamic acid at codon 457 is replaced by glycine, an amino acid with similar properties. This change occurs in the first base pair of coding exon 22. This amino acid position is conserved. In addition, this alteration is predicted to be tolerated by in silico analysis. Since supporting evidence is limited at this time, the clinical significance of this alteration remains unclear.

Labcorp Genetics (formerly Invitae), Labcorp
Classification: Uncertain significance for Catecholaminergic polymorphic ventricular tachycardia 1. Last evaluated: 2018-01-22. Review status: criteria provided, single submitter. Criteria: Invitae Variant Classification Sherloc (09022015). Collection method: clinical testing. Allele origin: germline.
Comment: In summary, the available evidence is currently insufficient to determine the role of this variant in disease. Therefore, it has been classified as a Variant of Uncertain Significance. Algorithms developed to predict the effect of missense changes on protein structure and function do not agree on the potential impact of this missense change (SIFT: "Deleterious"; PolyPhen-2: "Probably Damaging"; Align-GVGD: "Class C0"). This variant has not been reported in the literature in individuals with TRDN-related disease. This variant is not present in population databases (ExAC no frequency). This sequence change replaces glutamic acid with glycine at codon 457 of the TRDN protein (p.Glu457Gly). The glutamic acid residue is moderately conserved and there is a moderate physicochemical difference between glutamic acid and glycine.